The following is an entry in ClinVar:

ClinVar aggregate classification (germline): Uncertain significance. Review status: criteria provided, multiple submitters, no conflicts (2 of 4 stars). 3 submissions from 3 submitters: Uncertain significance (3). Last evaluated 2025-09-15.

Conditions:
Hemorrhage, intracerebral, susceptibility to (ICH). Also called: Stroke, hemorrhagic, susceptibility to. Identifiers: MedGen C3281105, MONDO:0100533, OMIM 614519.
Autosomal dominant familial hematuria-retinal arteriolar tortuosity-contractures syndrome. Also called: Hereditary Angiopathy with Nephropathy, Aneurysms, and Muscle Cramps (HANAC) Syndrome; Angiopathy, hereditary, with nephropathy, aneurysms, and muscle cramps. Identifiers: Orphanet 73229, MedGen C2673195, MONDO:0012726, OMIM 611773.
Microangiopathy and leukoencephalopathy, pontine, autosomal dominant. Also called: DEMENTIA, HEREDITARY MULTI-INFARCT, SWEDISH TYPE; Pontine autosomal dominant microangiopathy with leukoencephalopathy. Identifiers: Orphanet 477749, MedGen C5231411, MONDO:0032814, OMIM 618564.
Brain small vessel disease 1 with or without ocular anomalies (BSVD1). Also called: Brain small vessel disease with or without ocular anomalies; BRAIN SMALL VESSEL DISEASE WITH HEMORRHAGE; PORENCEPHALY, TYPE 1, AUTOSOMAL DOMINANT; GOULD SYNDROME 1. Identifiers: Orphanet 2940, Orphanet 36383, Orphanet 99810, MedGen C4755307, MONDO:0008289, OMIM 175780.
Retinal arterial tortuosity. Also called: Retinal arteries, tortuosity of; RETINAL HEMORRHAGE WITH VASCULAR TORTUOSITY. Identifiers: Orphanet 75326, MedGen C0423401, MONDO:0008373, OMIM 180000, HP:0000631.

Allele frequency attached by ClinVar (database versions not stated): gnomAD exomes below 0.00001 and 0.00001; TOPMed below 0.00001; ExAC 0.00001; gnomAD 0.00001; ESP Exome Variant Server 0.00008.
gnomAD v4.1: 6 of 1,614,040 alleles (0.00037%); highest among the groups gnomAD compares: Non-Finnish European, 0.00051%; no homozygotes.

Submissions (3):

Labcorp Genetics (formerly Invitae), Labcorp
Classification: Uncertain significance. Last evaluated: 2025-09-15. Review status: criteria provided, single submitter. Criteria: Invitae Variant Classification Sherloc (09022015). Collection method: clinical testing. Allele origin: germline.
Comment: This sequence change replaces aspartic acid, which is acidic and polar, with valine, which is neutral and non-polar, at codon 844 of the COL4A1 protein (p.Asp844Val). This variant is present in population databases (rs368902134, gnomAD 0.0009%). This variant has not been reported in the literature in individuals affected with COL4A1-related conditions. ClinVar contains an entry for this variant (Variation ID: 870802). Invitae Evidence Modeling of protein sequence and biophysical properties (such as structural, functional, and spatial information, amino acid conservation, physicochemical variation, residue mobility, and thermodynamic stability) indicates that this missense variant is not expected to disrupt COL4A1 protein function with a negative predictive value of 95%. In summary, the available evidence is currently insufficient to determine the role of this variant in disease. Therefore, it has been classified as a Variant of Uncertain Significance.

CeGaT Center for Human Genetics Tuebingen
Classification: Uncertain significance. Last evaluated: 2024-07-01. Review status: criteria provided, single submitter. Criteria: CeGaT Center For Human Genetics Tuebingen Variant Classification Criteria Version 2. Collection method: clinical testing. Allele origin: germline. Affected: yes. Observed: 4 variant alleles.

Fulgent Genetics
Classification: Uncertain significance for Brain small vessel disease 1 with or without ocular anomalies; Retinal arterial tortuosity; Autosomal dominant familial hematuria-retinal arteriolar tortuosity-contractures syndrome; Hemorrhage, intracerebral, susceptibility to; Microangiopathy and leukoencephalopathy, pontine, autosomal dominant. Last evaluated: 2024-06-03. Review status: criteria provided, single submitter. Criteria: ACMG Guidelines, 2015. Collection method: clinical testing. Allele origin: germline.

NM_001845.6(COL4A1):c.2531A>T (p.Asp844Val)

Gene: COL4A1 (collagen type IV alpha 1 chain; minus strand). Cytogenetic location: 13q34.
Variant type: single nucleotide variant.
Coding change: c.2531A>T on transcript NM_001845.6 (MANE Select); coding-DNA position 2531, A replaced by T.
Protein change: p.Asp844Val; replaces aspartic acid 844 with valine.
Molecular consequence: missense variant.
Genome position (GRCh38, 1-based): chr13:110,178,159, T>A on the plus strand (A>T on the coding strand, the complement: COL4A1 is on the minus strand). VCF-style: chr13-110178159-T-A. GRCh37 (hg19) VCF-style: chr13-110830506-T-A.
Other names: short protein forms D844V.
Identifiers: ClinVar variation 870802 (VCV000870802.45), dbSNP rs368902134, ClinGen allele CA7047563.